The following is an entry in ClinVar:

ClinVar aggregate classification (germline): Pathogenic (1 of 4 stars; one submission).

Conditions:
Lynch syndrome 4 (LYNCH4). Also called: Colorectal cancer, hereditary nonpolyposis, type 4; Hereditary non-polyposis colorectal cancer, type 4. Identifiers: Orphanet 144, MedGen C1838333, MONDO:0013699, OMIM 614337. Disease mechanism: loss of function.

Submission:

Human Genetics Bochum, Ruhr University Bochum
Classification: Pathogenic for Lynch syndrome 4. Last evaluated: 2022-08-01. Review status: criteria provided, single submitter. Criteria: ACMG Guidelines, 2015. Collection method: clinical testing. Allele origin: germline. Affected: yes.
Comment: ACMG criteria used to clasify this variant: PVS1, PM2

NM_000535.7:c.804-70_2445+71del

Gene: PMS2 (PMS1 homolog 2, mismatch repair system component; minus strand).
Variant type: Deletion.
Other names: c.804-70_2445+71del (NM_000535.7).
Identifiers: ClinVar variation 1801694 (VCV001801694.1).